The following is an entry in ClinVar:

ClinVar aggregate classification (germline): Pathogenic (1 of 4 stars; one submission).

Conditions:
CHD7-related CHARGE syndrome. Identifiers: MedGen CN380413, MONDO:1010178, OMIM 214800.

Submission:

Variantyx, Inc.
Classification: Pathogenic for CHD7-related CHARGE syndrome. Last evaluated: 2026-01-07. Review status: criteria provided, single submitter. Criteria: Variantyx Assertion Criteria 2022. Collection method: clinical testing. Allele origin: germline. Inheritance: Autosomal recessive inheritance. Affected: yes.
Comment: This is a frameshift variant in the CHD7 gene (OMIM: 608892). Pathogenic variants in this gene have been associated with autosomal dominant CHARGE syndrome. This variant introduces a premature termination codon in exon 6 out of 38 and is expected to result in loss of function, which is a known disease mechanism for CHD7 in this disorder (PMID: 21158681, 16400610, 19248844) (PVS1). This variant is absent from control populations (PM2) and has not been reported in individuals with CHD7-related disorders in the databases available for review. Based on the current evidence, this variant is classified as pathogenic for autosomal dominant CHARGE syndrome.

Literature cited by the submitters: PubMed 21158681; PubMed 16400610; PubMed 19248844.

NM_017780.4(CHD7):c.2429del (p.Arg809_Ser810insTer)

Gene: CHD7 (chromodomain helicase DNA binding protein 7; plus strand). Cytogenetic location: 8q12.2.
Variant type: Deletion.
Coding change: c.2429del on transcript NM_017780.4 (MANE Select); coding-DNA position 2429, one base deleted (C; older notation c.2429delC).
Protein change: p.Arg809_Ser810insTer.
Molecular consequence: nonsense. On other transcripts: intron variant (1).
Genome position (GRCh38, 1-based): chr8:60,801,580, C deleted. VCF-style (leftmost placement, unchanged base first): chr8-60801579-TC-T. GRCh37 (hg19) VCF-style: chr8-61714138-TC-T.
Other names: c.1716+20530del (NM_001316690.1).
Identifiers: ClinVar variation 4813790 (VCV004813790.1).